The following is an entry in ClinVar:

ClinVar aggregate classification (germline): Pathogenic/Likely pathogenic. Review status: criteria provided, multiple submitters, no conflicts (2 of 4 stars). 2 submissions from 2 submitters: Pathogenic (1); Likely pathogenic (1). Last evaluated 2024-12-18.

Conditions:
Benign recurrent intrahepatic cholestasis type 2 (BRIC2). Also called: Recurrent familial intrahepatic cholestasis 2. Identifiers: Orphanet 65682, Orphanet 99961, MedGen C2608083, MONDO:0011559, OMIM 605479.
Progressive familial intrahepatic cholestasis type 2. Identifiers: Orphanet 79304, MedGen C3489789, MONDO:0011156, OMIM 601847.

Submissions (2):

Natera, Inc.
Classification: Pathogenic for Progressive familial intrahepatic cholestasis type 2. Last evaluated: 2024-12-18. Review status: criteria provided, single submitter. Criteria: Natera Variant Classification Schema (03/2026). Collection method: clinical testing. Allele origin: germline.
Comment: The c.2343+1G>C variant in ABCB11 is a canonical splice donor site variant predicted to affect pre-mRNA splicing, which may result in an abnormal transcript and altered protein product. This variant is expected to result in nonsense mediated decay, truncation, or a dysfunctional protein product. This variant is rare in the general population with a frequency below the threshold expected for the associated phenotype(s). Another variant at this same site results in an alteration predicted to cause a similar molecular effect has been observed in individual(s) with the associated phenotype. Given the available evidence, this variant is classified as Pathogenic.

Baylor Genetics
Classification: Likely pathogenic for Benign recurrent intrahepatic cholestasis type 2. Last evaluated: 2023-03-25. Review status: criteria provided, single submitter. Criteria: ACMG Guidelines, 2015. Collection method: clinical testing. Allele origin: unknown.

NM_003742.4(ABCB11):c.2343+1G>C

Gene: ABCB11 (ATP binding cassette subfamily B member 11; minus strand). Cytogenetic location: 2q31.1.
Variant type: single nucleotide variant.
Coding change: c.2343+1G>C on transcript NM_003742.4 (MANE Select); the canonical splice donor site of the intron after coding-DNA position 2343, G replaced by C.
Molecular consequence: splice donor variant.
Genome position (GRCh38, 1-based): chr2:168,957,963, C>G on the plus strand (G>C on the coding strand, the complement: ABCB11 is on the minus strand). VCF-style: chr2-168957963-C-G. GRCh37 (hg19) VCF-style: chr2-169814473-C-G.
Identifiers: ClinVar variation 2680443 (VCV002680443.2), dbSNP rs774411820, ClinGen allele CA349106655.
Genomic context (GRCh38, chr2:168,957,963, plus strand): 5'-TTATCAAAATAATAAAATAAAAGGTATGAGAAGAAGAAAGCTAGTCCAGCTGTGTACTTA[C>G]CCCAAGAATCTGGCTGAATAAAAAGGCATACAAGGGTGTGACTGTCCCGTTCACAGCTGC-3'